The following is an entry in ClinVar:

NM_024675.4(PALB2):c.1210T>C (p.Phe404Leu)

Gene: PALB2 (partner and localizer of BRCA2; minus strand). Cytogenetic location: 16p12.2.
Variant type: single nucleotide variant.
Coding change: c.1210T>C on transcript NM_024675.4 (MANE Select); coding-DNA position 1210, T replaced by C.
Protein change: p.Phe404Leu; replaces phenylalanine 404 with leucine.
Molecular consequence: missense variant.
Genome position (GRCh38, 1-based): chr16:23,635,336, A>G on the plus strand (T>C on the coding strand, the complement: PALB2 is on the minus strand). VCF-style: chr16-23635336-A-G. GRCh37 (hg19) VCF-style: chr16-23646657-A-G.
Other names: short protein forms F404L.
Identifiers: ClinVar variation 418394 (VCV000418394.16), dbSNP rs1064793221, ClinGen allele CA16602186.

ClinVar aggregate classification (germline): Uncertain significance. Review status: criteria provided, multiple submitters, no conflicts (2 of 4 stars). 4 submissions from 4 submitters: Uncertain significance (4). Last evaluated 2026-01-19.

Conditions:
Familial cancer of breast. Also called: Hereditary breast cancer; BREAST CANCER, FAMILIAL; hereditary breast carcinoma. Identifiers: Orphanet 227535, MedGen C0346153, MONDO:0016419, OMIM 114480. Disease mechanism: loss of function.
Hereditary cancer-predisposing syndrome. Also called: Hereditary neoplastic syndrome; Tumor predisposition; Neoplastic Syndromes, Hereditary; Hereditary Cancer Syndrome. Identifiers: Orphanet 140162, MedGen C0027672, MeSH D009386, MONDO:0015356.

Allele frequency attached by ClinVar (database versions not stated): gnomAD exomes below 0.00001; gnomAD 0.00001.
gnomAD v4.1: 3 of 1,613,954 alleles (0.00019%); highest among the groups gnomAD compares: African/African-American, 0.0013%; no homozygotes.

Submissions (4):

Labcorp Genetics (formerly Invitae), Labcorp
Classification: Uncertain significance for Familial cancer of breast. Last evaluated: 2026-01-19. Review status: criteria provided, single submitter. Criteria: Invitae Variant Classification Sherloc (09022015). Collection method: clinical testing. Allele origin: germline.
Comment: This sequence change replaces phenylalanine, which is neutral and non-polar, with leucine, which is neutral and non-polar, at codon 404 of the PALB2 protein (p.Phe404Leu). This variant is present in population databases (no rsID available, gnomAD 0.01%). This variant has not been reported in the literature in individuals affected with PALB2-related conditions. ClinVar contains an entry for this variant (Variation ID: 418394). Invitae Evidence Modeling of protein sequence and biophysical properties (such as structural, functional, and spatial information, amino acid conservation, physicochemical variation, residue mobility, and thermodynamic stability) indicates that this missense variant is expected to disrupt PALB2 protein function with a positive predictive value of 80%. Experimental studies have shown that this missense change does not substantially affect PALB2 function (PMID: 29387807, 33964450). In summary, the available evidence is currently insufficient to determine the role of this variant in disease. Therefore, it has been classified as a Variant of Uncertain Significance.

Ambry Genetics
Classification: Uncertain significance for Hereditary cancer-predisposing syndrome. Last evaluated: 2025-04-19. Review status: criteria provided, single submitter. Criteria: Ambry Variant Classification Scheme 2023. Collection method: clinical testing. Allele origin: germline.
Comment: The p.F404L variant (also known as c.1210T>C), located in coding exon 4 of the PALB2 gene, results from a T to C substitution at nucleotide position 1210. The phenylalanine at codon 404 is replaced by leucine, an amino acid with highly similar properties. This amino acid position is highly conserved in available vertebrate species. In addition, the in silico prediction for this alteration is inconclusive. Since supporting evidence is limited at this time, the clinical significance of this alteration remains unclear.

Baylor Genetics
Classification: Uncertain significance for Familial cancer of breast. Last evaluated: 2024-01-24. Review status: criteria provided, single submitter. Criteria: ACMG Guidelines, 2015. Collection method: clinical testing. Allele origin: unknown.

GeneDx
Classification: Uncertain significance. Last evaluated: 2015-02-24. Review status: criteria provided, single submitter. Criteria: GeneDx Variant Classification (06012015). Collection method: clinical testing. Allele origin: germline. Affected: yes.
Comment: This variant is denoted PALB2 c.1210T>C at the cDNA level, p.Phe404Leu (F404L) at the protein level, and results in the change of a Phenylalanine to a Leucine (TTT>CTT). This variant has not, to our knowledge, been published in the literature as pathogenic or benign. PALB2 Phe404Leu was not observed in approximately 6,500 individuals of European and African American ancestry in the NHLBI Exome Sequencing Project, indicating it is not a common benign variant in these populations. Since Phenylalanine and Leucine share similar properties, this is considered a conservative amino acid substitution. PALB2 Phe404Leu occurs at a position that is highly conserved among mammals and is located in DNA binding region and ChAM motif (UniProt, Teo 2013). In silico analyses predict that this variant is probably damaging to protein structure and function. Based on currently available information, it is unclear whether PALB2 Phe404Leu is pathogenic or benign. We consider it to be a variant of uncertain significance.

Literature cited by the submitters: PubMed 29387807 (cited by Labcorp Genetics (formerly Invitae), Labcorp); PubMed 33964450 (cited by Labcorp Genetics (formerly Invitae), Labcorp).